The following is an entry in ClinVar:

NM_004100.5(EYA4):c.1760G>A (p.Arg587Gln)

Genes: EYA4 (EYA transcriptional coactivator and phosphatase 4; plus strand), TARID (TCF21 antisense RNA inducing promoter demethylation; minus strand). Cytogenetic location: 6q23.2.
Variant type: single nucleotide variant.
Coding change: c.1760G>A on transcript NM_004100.5 (MANE Select); coding-DNA position 1760, G replaced by A.
Protein change: p.Arg587Gln; replaces arginine 587 with glutamine.
Molecular consequence: missense variant. On other transcripts: intron variant (3).
Genome position (GRCh38, 1-based): chr6:133,525,175, G>A. VCF-style: chr6-133525175-G-A. GRCh37 (hg19) VCF-style: chr6-133846313-G-A.
Other names: c.1778G>A, p.Arg593Gln (NM_001301013.2); c.1616G>A, p.Arg539Gln (NM_001370459.1); c.1691G>A, p.Arg564Gln (NM_172103.4); c.1839+60G>A (NM_172105.4); c.1770+60G>A (NM_001370458.1); c.1677+60G>A (NM_001301012.2); short protein forms R539Q, R564Q, R593Q, R587Q.
Identifiers: ClinVar variation 1779574 (VCV001779574.5), dbSNP rs746014018, ClinGen allele CA4008486.

ClinVar aggregate classification (germline): Uncertain significance. Review status: criteria provided, multiple submitters, no conflicts (2 of 4 stars). 2 submissions from 2 submitters: Uncertain significance (2). Last evaluated 2023-11-02.

Conditions:
Cardiovascular phenotype. Identifiers: MedGen CN230736.
Dilated cardiomyopathy 1J (CMD1J). Also called: CARDIOMYOPATHY, DILATED, WITH SENSORINEURAL HEARING LOSS, AUTOSOMAL DOMINANT. Identifiers: Orphanet 217622, MedGen C1854368, MONDO:0011541, OMIM 605362.

Allele frequency attached by ClinVar (database versions not stated): ExAC 0.00001.
gnomAD v4.1: 8 of 1,613,734 alleles (0.0005%); highest among the groups gnomAD compares: East Asian, 0.0022%; no homozygotes.

Submissions (2):

Labcorp Genetics (formerly Invitae), Labcorp
Classification: Uncertain significance for Dilated cardiomyopathy 1J. Last evaluated: 2023-11-02. Review status: criteria provided, single submitter. Criteria: Invitae Variant Classification Sherloc (09022015). Collection method: clinical testing. Allele origin: germline.
Comment: This sequence change replaces arginine, which is basic and polar, with glutamine, which is neutral and polar, at codon 587 of the EYA4 protein (p.Arg587Gln). This variant is present in population databases (rs746014018, gnomAD 0.003%). This variant has not been reported in the literature in individuals affected with EYA4-related conditions. ClinVar contains an entry for this variant (Variation ID: 1779574). Advanced modeling of protein sequence and biophysical properties (such as structural, functional, and spatial information, amino acid conservation, physicochemical variation, residue mobility, and thermodynamic stability) has been performed at Invitae for this missense variant, however the output from this modeling did not meet the statistical confidence thresholds required to predict the impact of this variant on EYA4 protein function. Algorithms developed to predict the effect of sequence changes on RNA splicing suggest that this variant may disrupt the consensus splice site. In summary, the available evidence is currently insufficient to determine the role of this variant in disease. Therefore, it has been classified as a Variant of Uncertain Significance.

Ambry Genetics
Classification: Uncertain significance for Cardiovascular phenotype. Last evaluated: 2022-02-18. Review status: criteria provided, single submitter. Criteria: Ambry Variant Classification Scheme 2023. Collection method: clinical testing. Allele origin: germline.
Comment: The p.R587Q variant (also known as c.1760G>A), located in coding exon 18 of the EYA4 gene, results from a G to A substitution at nucleotide position 1760. The arginine at codon 587 is replaced by glutamine, an amino acid with highly similar properties. This amino acid position is highly conserved in available vertebrate species. In addition, this alteration is predicted to be deleterious by in silico analysis. Since supporting evidence is limited at this time, the clinical significance of this alteration remains unclear.